The following is an entry in ClinVar:

ClinVar aggregate classification (germline): Uncertain significance. Review status: criteria provided, multiple submitters, no conflicts (2 of 4 stars). 7 submissions from 7 submitters: Uncertain significance (7). Last evaluated 2025-08-11.

Conditions:
B3GALNT2-related disorder. Also called: B3GALNT2-related condition.
Inborn genetic diseases. Identifiers: MedGen C0950123, MeSH D030342.
Muscular dystrophy-dystroglycanopathy (congenital with brain and eye anomalies), type a, 11 (MDDGA11). Also called: Muscular dystrophy-dystroglycanopathy (congenital with brain and eye anomalies, type A, 11; Congenital muscular dystrophy-dystroglycanopathy with brain and eye anomalies, type A11; WALKER-WARBURG SYNDROME OR MUSCLE-EYE-BRAIN DISEASE, B3GALNT2-RELATED. Identifiers: Orphanet 588, Orphanet 899, MedGen C3554638, MONDO:0014071, OMIM 615181.

Allele frequency attached by ClinVar (database versions not stated): ESP Exome Variant Server 0.00023; ExAC 0.00024; gnomAD exomes 0.00026 and 0.00014; TOPMed 0.00026; 1000 Genomes Project 30x 0.00016; 1000 Genomes Project 0.00020; gnomAD 0.00021.
gnomAD v4.1: 239 of 1,614,166 alleles (0.015%); highest among the groups gnomAD compares: Middle Eastern, 0.12%; no homozygotes.

Submissions (7):

PreventionGenetics, part of Exact Sciences
Classification: Uncertain significance for B3GALNT2-related condition. Last evaluated: 2025-08-11. Review status: criteria provided, single submitter. Criteria: ACMG Guidelines, 2015. Collection method: clinical testing. Allele origin: germline.
Comment: The B3GALNT2 c.410C>T variant is predicted to result in the amino acid substitution p.Ser137Leu. To our knowledge, this variant has not been reported in the literature. This variant is reported in 0.059% of alleles in individuals of Latino descent in gnomAD. At this time, the clinical significance of this variant is uncertain due to the absence of conclusive functional and genetic evidence.

GeneDx
Classification: Uncertain significance. Last evaluated: 2024-05-30. Review status: criteria provided, single submitter. Criteria: GeneDx Variant Classification Process June 2021. Collection method: clinical testing. Allele origin: germline. Affected: yes.
Comment: In silico analysis indicates that this missense variant does not alter protein structure/function; Has not been previously published as pathogenic or benign to our knowledge

Revvity Omics, Revvity
Classification: Uncertain significance for Muscular dystrophy-dystroglycanopathy (congenital with brain and eye anomalies), type a, 11. Last evaluated: 2023-09-07. Review status: criteria provided, single submitter. Criteria: ACMG Guidelines, 2015. Collection method: clinical testing. Allele origin: germline.

Labcorp Genetics (formerly Invitae), Labcorp
Classification: Uncertain significance for Muscular dystrophy-dystroglycanopathy (congenital with brain and eye anomalies), type a, 11. Last evaluated: 2022-07-17. Review status: criteria provided, single submitter. Criteria: Invitae Variant Classification Sherloc (09022015). Collection method: clinical testing. Allele origin: germline.
Comment: This sequence change replaces serine, which is neutral and polar, with leucine, which is neutral and non-polar, at codon 137 of the B3GALNT2 protein (p.Ser137Leu). This variant is present in population databases (rs140393851, gnomAD 0.06%). This variant has not been reported in the literature in individuals affected with B3GALNT2-related conditions. ClinVar contains an entry for this variant (Variation ID: 452907). Algorithms developed to predict the effect of missense changes on protein structure and function (SIFT, PolyPhen-2, Align-GVGD) all suggest that this variant is likely to be tolerated. In summary, the available evidence is currently insufficient to determine the role of this variant in disease. Therefore, it has been classified as a Variant of Uncertain Significance.

Ambry Genetics
Classification: Uncertain significance for Inborn genetic diseases. Last evaluated: 2021-08-02. Review status: criteria provided, single submitter. Criteria: Ambry Variant Classification Scheme 2023. Collection method: clinical testing. Allele origin: germline.

Eurofins Ntd Llc (ga)
Classification: Uncertain significance. Last evaluated: 2018-01-25. Review status: criteria provided, single submitter. Criteria: EGL Classification Definitions 2015. Collection method: clinical testing. Allele origin: germline. Observed: 1 variant allele, 1 heterozygote.

Breakthrough Genomics
Classification: Uncertain significance. Review status: criteria provided, single submitter. Criteria: ACMG Guidelines, 2015. Collection method: not provided. Allele origin: germline. Inheritance: Autosomal recessive inheritance. Affected: yes.

NM_152490.5(B3GALNT2):c.410C>T (p.Ser137Leu)

Gene: B3GALNT2 (beta-1,3-N-acetylgalactosaminyltransferase 2; minus strand). Cytogenetic location: 1q42.3.
Variant type: single nucleotide variant.
Coding change: c.410C>T on transcript NM_152490.5 (MANE Select); coding-DNA position 410, C replaced by T.
Protein change: p.Ser137Leu; replaces serine 137 with leucine.
Molecular consequence: missense variant.
Genome position (GRCh38, 1-based): chr1:235,484,467, G>A on the plus strand (C>T on the coding strand, the complement: B3GALNT2 is on the minus strand). VCF-style: chr1-235484467-G-A. GRCh37 (hg19) VCF-style: chr1-235647783-G-A.
Other names: c.533C>T, p.Ser178Leu (NM_001277155.3); short protein forms S137L, S178L.
Identifiers: ClinVar variation 452907 (VCV000452907.22), dbSNP rs140393851, ClinGen allele CA1464912.